The following is an entry in ClinVar:

NC_000017.10:g.(?_19552275)_(19561185_?)del

Gene: ALDH3A2 (aldehyde dehydrogenase 3 family member A2; plus strand). Cytogenetic location: 17p11.2.
Variant type: Deletion.
Identifiers: ClinVar variation 1069338 (VCV001069338.1).

ClinVar aggregate classification (germline): Pathogenic (1 of 4 stars; one submission).

Submission:

Labcorp Genetics (formerly Invitae), Labcorp
Classification: Pathogenic. Last evaluated: 2020-03-25. Review status: criteria provided, single submitter. Criteria: Invitae Variant Classification Sherloc (09022015). Collection method: clinical testing. Allele origin: germline.
Comment: This variant is a gross deletion of the genomic region encompassing exons 1-5 of the ALDH3A2 gene, which includes the initiator codon. The 5' end of this event is unknown as it extends beyond the assayed region for this gene and therefore may encompass additional genes. The 3' boundary is likely confined to intron 5 of the ALDH3A2 gene. This is expected to result in an absent or disrupted protein product. This variant has been observed in individual(s) with Sjogren â€šÃ„Ã¬Larsson syndrome (PMID: 25855245). Loss-of-function variants in ALDH3A2 are known to be pathogenic (PMID: 10577908, 10854114). For these reasons, this variant has been classified as Pathogenic.

Literature cited by the submitters: PubMed 25855245; PubMed 10577908; PubMed 10854114.